The following is an entry in ClinVar:

NM_018139.3(DNAAF2):c.1494G>A (p.Ser498=)

Gene: DNAAF2 (dynein axonemal assembly factor 2; minus strand). Cytogenetic location: 14q21.3.
Variant type: single nucleotide variant.
Coding change: c.1494G>A on transcript NM_018139.3 (MANE Select); coding-DNA position 1494, G replaced by A.
Protein change: p.Ser498=; no amino-acid change (serine 498 retained).
Molecular consequence: synonymous variant. On other transcripts: 5 prime UTR variant (1).
Genome position (GRCh38, 1-based): chr14:49,633,656, C>T on the plus strand (G>A on the coding strand, the complement: DNAAF2 is on the minus strand). VCF-style: chr14-49633656-C-T. GRCh37 (hg19) VCF-style: chr14-50100374-C-T.
Other names: p.Ser498=; c.1494G>A, p.Ser498= (NM_001083908.2); c.-378G>A (NM_001378453.1).
Identifiers: ClinVar variation 261013 (VCV000261013.47), dbSNP rs2985688, ClinGen allele CA7172901.
Genomic context (GRCh38, chr14:49,633,656, plus strand): 5'-CCCGCTCTTGGTCCCGGGACCACCCATGGCGCAGGCTGAGCGCTGGCCGCCCGTGCCCTC[C>T]GACTCCTCGCGTGTTTCCACACTGCTATCTCCGCGCGCACTCTCTCTTCCCGCAGAAGAA-3'
Protein context (NP_060609.2, residues 488-508): GDSSVETREE[Ser498=]EGTGGQRSAC

ClinVar aggregate classification (germline): Conflicting classifications of pathogenicity. Review status: criteria provided, conflicting classifications (1 of 4 stars). 8 submissions from 8 submitters: Uncertain significance (1); Benign (5); Likely benign (2). Last evaluated 2026-02-04.

Conditions:
Primary ciliary dyskinesia. Also called: Ciliary dyskinesia. Identifiers: Orphanet 244, MedGen C0008780, MONDO:0016575, HP:0012265.
Primary ciliary dyskinesia 10. Also called: CILIARY DYSKINESIA, PRIMARY, 10, WITH OR WITHOUT SITUS INVERSUS. Identifiers: Orphanet 244, MedGen C2675867, MONDO:0012918, OMIM 612518.

Allele frequency attached by ClinVar (database versions not stated): ESP Exome Variant Server 0.00277; TOPMed 0.00278; gnomAD 0.00470 and 0.00479; ExAC 0.00493; 1000 Genomes Project 30x 0.00500; 1000 Genomes Project 0.00539.

Submissions (8):

Labcorp Genetics (formerly Invitae), Labcorp
Classification: Benign for Primary ciliary dyskinesia. Last evaluated: 2026-02-04. Review status: criteria provided, single submitter. Criteria: Invitae Variant Classification Sherloc (09022015). Collection method: clinical testing. Allele origin: germline.

CeGaT Center for Human Genetics Tuebingen
Classification: Likely benign. Last evaluated: 2024-04-01. Review status: criteria provided, single submitter. Criteria: CeGaT Center For Human Genetics Tuebingen Variant Classification Criteria Version 2. Collection method: clinical testing. Allele origin: germline. Affected: yes. Observed: 2 variant alleles.
Comment: DNAAF2: BP4, BP7, BS2

Mayo Clinic Laboratories, Mayo Clinic
Classification: Benign. Last evaluated: 2023-07-07. Review status: criteria provided, single submitter. Criteria: ACMG Guidelines, 2015. Collection method: clinical testing. Allele origin: germline. Observed: 3 variant alleles.
Comment: BS1, BS2, BP4, BP7

ARUP Laboratories, Molecular Genetics and Genomics, ARUP Laboratories
Classification: Benign for Primary ciliary dyskinesia 10. Last evaluated: 2022-03-31. Review status: criteria provided, single submitter. Criteria: ARUP Molecular Germline Variant Investigation Process 2021. Collection method: clinical testing. Allele origin: germline.

Illumina Laboratory Services, Illumina
Classification: Uncertain significance for Primary ciliary dyskinesia 10. Last evaluated: 2018-01-12. Review status: criteria provided, single submitter. Criteria: ICSL Variant Classification Criteria 13 December 2019. Collection method: clinical testing. Allele origin: germline.

Ambry Genetics
Classification: Likely benign for Primary ciliary dyskinesia. Last evaluated: 2014-12-11. Review status: criteria provided, single submitter. Criteria: Ambry Variant Classification Scheme 2023. Collection method: clinical testing. Allele origin: germline.

Laboratory for Molecular Medicine, Mass General Brigham Personalized Medicine
Classification: Benign. Last evaluated: 2013-02-21. Review status: criteria provided, single submitter. Criteria: LMM Criteria. Collection method: clinical testing. Allele origin: germline. Observed: 1 variant allele.
Comment: Ser498Ser in exon 1 of DNAAF2: This variant is not expected to have clinical significance because it does not alter an amino acid residue and is not located within the splice consensus sequence. It has been identified in 0.5% (20/4406) of African American chromosomes from a broad population by the NHLBI Exome Sequencing Project (dbSNP rs2985688).

PreventionGenetics, part of Exact Sciences
Classification: Benign. Review status: criteria provided, single submitter. Criteria: ACMG Guidelines, 2015. Collection method: clinical testing. Allele origin: germline.